The following is an entry in ClinVar:

NM_000091.5(COL4A3):c.87+1G>A

Genes: COL4A3 (collagen type IV alpha 3 chain; plus strand), LOC129935730 (ATAC-STARR-seq lymphoblastoid silent region 12397; plus strand). Cytogenetic location: 2q36.3.
Variant type: single nucleotide variant.
Coding change: c.87+1G>A on transcript NM_000091.5 (MANE Select); the canonical splice donor site of the intron after coding-DNA position 87, G replaced by A.
Molecular consequence: splice donor variant.
Genome position (GRCh38, 1-based): chr2:227,164,814, G>A. VCF-style: chr2-227164814-G-A. GRCh37 (hg19) VCF-style: chr2-228029530-G-A.
Identifiers: ClinVar variation 2730035 (VCV002730035.3), dbSNP rs2065153902, ClinGen allele CA350846321.

ClinVar aggregate classification (germline): Likely pathogenic (1 of 4 stars; one submission).

Allele frequency attached by ClinVar (database versions not stated): TOPMed below 0.00001.

Submission:

Labcorp Genetics (formerly Invitae), Labcorp
Classification: Likely pathogenic. Last evaluated: 2023-06-27. Review status: criteria provided, single submitter. Criteria: Invitae Variant Classification Sherloc (09022015). Collection method: clinical testing. Allele origin: germline.
Comment: This variant is not present in population databases (gnomAD no frequency). In summary, the currently available evidence indicates that the variant is pathogenic, but additional data are needed to prove that conclusively. Therefore, this variant has been classified as Likely Pathogenic. Algorithms developed to predict the effect of sequence changes on RNA splicing suggest that this variant may disrupt the consensus splice site. This variant has not been reported in the literature in individuals affected with COL4A3-related conditions. This sequence change affects a donor splice site in intron 1 of the COL4A3 gene. It is expected to disrupt RNA splicing. Variants that disrupt the donor or acceptor splice site typically lead to a loss of protein function (PMID: 16199547), and loss-of-function variants in COL4A3 are known to be pathogenic (PMID: 8956999, 24854265, 26809805, 27281700).

Literature cited by the submitters: PubMed 16199547; PubMed 8956999; PubMed 24854265; PubMed 26809805; PubMed 27281700.